The following is an entry in ClinVar:

ClinVar aggregate classification (germline): Uncertain significance (1 of 4 stars; one submission).

Conditions:
Neutral lipid storage myopathy (NLSDM). Also called: NEUTRAL LIPID STORAGE DISEASE WITHOUT ICHTHYOSIS. Identifiers: Orphanet 98908, MedGen C1853136, MONDO:0012545, OMIM 610717.

Submission:

Labcorp Genetics (formerly Invitae), Labcorp
Classification: Uncertain significance for Neutral lipid storage myopathy. Last evaluated: 2022-05-29. Review status: criteria provided, single submitter. Criteria: Invitae Variant Classification Sherloc (09022015). Collection method: clinical testing. Allele origin: germline.
Comment: In summary, the available evidence is currently insufficient to determine the role of this variant in disease. Therefore, it has been classified as a Variant of Uncertain Significance. Algorithms developed to predict the effect of missense changes on protein structure and function (SIFT, PolyPhen-2, Align-GVGD) all suggest that this variant is likely to be disruptive. This variant has not been reported in the literature in individuals affected with PNPLA2-related conditions. This variant is not present in population databases (gnomAD no frequency). This sequence change replaces cysteine, which is neutral and slightly polar, with serine, which is neutral and polar, at codon 15 of the PNPLA2 protein (p.Cys15Ser).

NM_020376.4(PNPLA2):c.43T>A (p.Cys15Ser)

Genes: PNPLA2 (patatin like domain 2, triacylglycerol lipase; plus strand), LOC130005097 (ATAC-STARR-seq lymphoblastoid silent region 3036; plus strand). Cytogenetic location: 11p15.5.
Variant type: single nucleotide variant.
Coding change: c.43T>A on transcript NM_020376.4 (MANE Select); coding-DNA position 43, T replaced by A.
Protein change: p.Cys15Ser; replaces cysteine 15 with serine.
Molecular consequence: missense variant.
Genome position (GRCh38, 1-based): chr11:819,761, T>A. VCF-style: chr11-819761-T-A. GRCh37 (hg19) VCF-style: chr11-819761-T-A.
Other names: short protein forms C15S.
Identifiers: ClinVar variation 1942908 (VCV001942908.5), dbSNP rs2495547885, ClinGen allele CA378976424.